The following is an entry in ClinVar:

NM_006295.3(VARS1):c.1577-6C>T

Gene: VARS1 (valyl-tRNA synthetase 1; minus strand). Cytogenetic location: 6p21.33.
Variant type: single nucleotide variant.
Coding change: c.1577-6C>T on transcript NM_006295.3 (MANE Select); 6 bases into the intron before coding-DNA position 1577, C replaced by T.
Molecular consequence: intron variant.
Genome position (GRCh38, 1-based): chr6:31,784,314, G>A on the plus strand (C>T on the coding strand, the complement: VARS1 is on the minus strand). VCF-style: chr6-31784314-G-A. GRCh37 (hg19) VCF-style: chr6-31752091-G-A.
Identifiers: ClinVar variation 3188157 (VCV003188157.1), dbSNP rs986184756, ClinGen allele CA136883093.

ClinVar aggregate classification (germline): Uncertain significance (1 of 4 stars; one submission).

Conditions:
Inborn genetic diseases. Identifiers: MedGen C0950123, MeSH D030342.

Allele frequency attached by ClinVar (database versions not stated): gnomAD exomes below 0.00001; TOPMed below 0.00001.
gnomAD v4.1: 1 of 1,614,146 alleles (0.000062%); highest among the groups gnomAD compares: Non-Finnish European, 0.000085%; no homozygotes.

Submission:

Ambry Genetics
Classification: Uncertain significance for Inborn genetic diseases. Last evaluated: 2022-06-17. Review status: criteria provided, single submitter. Criteria: Ambry Variant Classification Scheme 2023. Collection method: clinical testing. Allele origin: germline.
Comment: The c.1577-6C>T intronic alteration consists of a C to T substitution 6 nucleotides before coding exon 12 in the VARS gene. Based on insufficient or conflicting evidence, the clinical significance of this alteration remains unclear.